The following is an entry in ClinVar:

NM_017752.3(TBC1D8B):c.2717A>G (p.His906Arg)

Gene: TBC1D8B (TBC1 domain family member 8B; plus strand). Cytogenetic location: Xq22.3.
Variant type: single nucleotide variant.
Coding change: c.2717A>G on transcript NM_017752.3 (MANE Select); coding-DNA position 2717, A replaced by G.
Protein change: p.His906Arg; replaces histidine 906 with arginine.
Molecular consequence: missense variant.
Genome position (GRCh38, 1-based): chrX:106,866,851, A>G. VCF-style: chrX-106866851-A-G. GRCh37 (hg19) VCF-style: chrX-106110081-A-G.
Other names: short protein forms H906R.
Identifiers: ClinVar variation 2988841 (VCV002988841.3), dbSNP rs775071963, ClinGen allele CA10483408.

ClinVar aggregate classification (germline): Uncertain significance (1 of 4 stars; one submission).

Allele frequency attached by ClinVar (database versions not stated): gnomAD exomes below 0.00001; ExAC 0.00003; TOPMed 0.00003.
gnomAD v4.1: 6 of 1,180,426 alleles (0.00051%); highest among the groups gnomAD compares: East Asian, 0.012%; no homozygotes.

Submission:

Labcorp Genetics (formerly Invitae), Labcorp
Classification: Uncertain significance. Last evaluated: 2023-12-15. Review status: criteria provided, single submitter. Criteria: Invitae Variant Classification Sherloc (09022015). Collection method: clinical testing. Allele origin: germline.
Comment: This sequence change replaces histidine, which is basic and polar, with arginine, which is basic and polar, at codon 906 of the TBC1D8B protein (p.His906Arg). This variant is present in population databases (rs775071963, gnomAD 0.02%). This missense change has been observed in individual(s) with nephrotic syndrome (PMID: 34858901). An algorithm developed to predict the effect of missense changes on protein structure and function (PolyPhen-2) suggests that this variant is likely to be disruptive. In summary, the available evidence is currently insufficient to determine the role of this variant in disease. Therefore, it has been classified as a Variant of Uncertain Significance.

Literature cited by the submitters: PubMed 34858901.